The following is an entry in ClinVar:

ClinVar aggregate classification (germline): Pathogenic (1 of 4 stars; one submission).

Conditions:
Cohen syndrome (COH1). Also called: PEPPER SYNDROME; Cutis verticis gyrata, retinitis pigmentosa, and sensorineural deafness. Identifiers: Orphanet 193, MedGen C0265223, MONDO:0008999, OMIM 216550.

Submission:

Myriad Genetics, Inc.
Classification: Pathogenic for Cohen syndrome. Last evaluated: 2025-01-12. Review status: criteria provided, single submitter. Criteria: Myriad Autosomal Dominant, Autosomal Recessive and X-Linked Classification Criteria (2023). Collection method: clinical testing. Allele origin: unknown.
Comment: NM_017890.4(VPS13B):c.8382G>A(W2794*) is expected to be pathogenic in the context of Cohen syndrome. This variant is predicted to lead to an abnormal or absent protein product due to the creation of a premature termination codon in VPS13B, a gene where loss-of-function variants are known to be pathogenic. Please note: this variant was assessed in the context of healthy population screening.

NM_152564.5(VPS13B):c.8307G>A (p.Trp2769Ter)

Gene: VPS13B (vacuolar protein sorting 13 homolog B; plus strand). Cytogenetic location: 8q22.2.
Variant type: single nucleotide variant.
Coding change: c.8307G>A on transcript NM_152564.5 (MANE Select); coding-DNA position 8307, G replaced by A.
Protein change: p.Trp2769Ter; replaces tryptophan 2769 with a stop codon.
Molecular consequence: nonsense.
Genome position (GRCh38, 1-based): chr8:99,817,749, G>A. VCF-style: chr8-99817749-G-A. GRCh37 (hg19) VCF-style: chr8-100829977-G-A.
Other names: c.8382G>A, p.Trp2794Ter (NM_017890.5); short protein forms W2769*, W2794*.
Identifiers: ClinVar variation 5013950 (VCV005013950.1).
Genomic context (GRCh38, chr8:99,817,749, plus strand): 5'-CATACTAGAAAACAATGAACTGACGGAGCTGTGTGTGAAGGCCAAAGGAGATGAAGACTG[G>A]TCAAGAGATGTGTGCCTGGAATCCAAAGCCCCTGAGTACAGCATTGTCATTCAGGTTTGA-3'